The following is an entry in ClinVar:

ClinVar aggregate classification (germline): Uncertain significance (1 of 4 stars; one submission).

Conditions:
Hereditary cancer-predisposing syndrome. Also called: Neoplastic Syndromes, Hereditary; Tumor predisposition; Hereditary Cancer Syndrome; Hereditary neoplastic syndrome. Identifiers: Orphanet 140162, MedGen C0027672, MeSH D009386, MONDO:0015356.

Submission:

Ambry Genetics
Classification: Uncertain significance for Hereditary cancer-predisposing syndrome. Last evaluated: 2025-09-17. Review status: criteria provided, single submitter. Criteria: Ambry Variant Classification Scheme 2023. Collection method: clinical testing. Allele origin: germline.
Comment: The p.C152W variant (also known as c.456C>G), located in coding exon 4 of the DICER1 gene, results from a C to G substitution at nucleotide position 456. The cysteine at codon 152 is replaced by tryptophan, an amino acid with highly dissimilar properties. This amino acid position is conserved. In addition, the in silico prediction for this alteration is inconclusive. Based on the available evidence, the clinical significance of this variant remains unclear.

NM_177438.3(DICER1):c.456C>G (p.Cys152Trp)

Gene: DICER1 (dicer 1, ribonuclease III; minus strand). Cytogenetic location: 14q32.13.
Variant type: single nucleotide variant.
Coding change: c.456C>G on transcript NM_177438.3 (MANE Select); coding-DNA position 456, C replaced by G.
Protein change: p.Cys152Trp; replaces cysteine 152 with tryptophan.
Molecular consequence: missense variant. On other transcripts: 5 prime UTR variant (1), non-coding transcript variant (6), intron variant (1).
Genome position (GRCh38, 1-based): chr14:95,130,175, G>C on the plus strand (C>G on the coding strand, the complement: DICER1 is on the minus strand). VCF-style: chr14-95130175-G-C. GRCh37 (hg19) VCF-style: chr14-95596512-G-C.
Other names: c.456C>G, p.Cys152Trp (NM_001195573.1, NM_001271282.3, NM_001291628.2 and 14 more transcripts); c.174C>G, p.Cys58Trp (NM_001395686.1); c.51C>G, p.Cys17Trp (NM_001395687.1, NM_001395688.1, NM_001395689.1 and 3 more transcripts); c.-1113C>G (NM_001395697.1); c.-20-92C>G (NM_001395691.1); short protein forms C152W, C17W, C58W.
Identifiers: ClinVar variation 4636792 (VCV004636792.1).